The following is an entry in ClinVar:

ClinVar aggregate classification (germline): Uncertain significance. Review status: criteria provided, multiple submitters, no conflicts (2 of 4 stars). 2 submissions from 2 submitters: Uncertain significance (2). Last evaluated 2025-02-14.

Conditions:
Zellweger spectrum disorders (ZS). Also called: Zellweger Spectrum Disorder (ZSD); Zellweger Spectrum Disorder; Zellweger Spectrum; Zellweger syndrome. Identifiers: Orphanet 912, MedGen C0043459, MONDO:0019609.
Inborn genetic diseases. Identifiers: MedGen C0950123, MeSH D030342.

Allele frequency attached by ClinVar (database versions not stated): ExAC 0.00001.
gnomAD v4.1: 19 of 1,614,020 alleles (0.0012%); highest among the groups gnomAD compares: Non-Finnish European, 0.0016%; no homozygotes.

Submissions (2):

Ambry Genetics
Classification: Uncertain significance for Inborn genetic diseases. Last evaluated: 2025-02-14. Review status: criteria provided, single submitter. Criteria: Ambry Variant Classification Scheme 2023. Collection method: clinical testing. Allele origin: germline.

Labcorp Genetics (formerly Invitae), Labcorp
Classification: Uncertain significance for Zellweger spectrum disorders. Last evaluated: 2022-06-23. Review status: criteria provided, single submitter. Criteria: Invitae Variant Classification Sherloc (09022015). Collection method: clinical testing. Allele origin: germline.
Comment: This sequence change replaces arginine, which is basic and polar, with glycine, which is neutral and non-polar, at codon 371 of the PEX1 protein (p.Arg371Gly). This variant is present in population databases (rs769973410, gnomAD 0.0009%). This variant has not been reported in the literature in individuals affected with PEX1-related conditions. Advanced modeling of protein sequence and biophysical properties (such as structural, functional, and spatial information, amino acid conservation, physicochemical variation, residue mobility, and thermodynamic stability) performed at Invitae indicates that this missense variant is not expected to disrupt PEX1 protein function. In summary, the available evidence is currently insufficient to determine the role of this variant in disease. Therefore, it has been classified as a Variant of Uncertain Significance.

NM_000466.3(PEX1):c.1111A>G (p.Arg371Gly)

Gene: PEX1 (peroxisomal biogenesis factor 1; minus strand). Cytogenetic location: 7q21.2.
Variant type: single nucleotide variant.
Coding change: c.1111A>G on transcript NM_000466.3 (MANE Select); coding-DNA position 1111, A replaced by G.
Protein change: p.Arg371Gly; replaces arginine 371 with glycine.
Molecular consequence: missense variant.
Genome position (GRCh38, 1-based): chr7:92,517,404, T>C on the plus strand (A>G on the coding strand, the complement: PEX1 is on the minus strand). VCF-style: chr7-92517404-T-C. GRCh37 (hg19) VCF-style: chr7-92146718-T-C.
Other names: c.1111A>G, p.Arg371Gly (NM_001282677.2); c.487A>G, p.Arg163Gly (NM_001282678.2); c.1111A>G (NM_000466.2); short protein forms R163G, R371G.
Identifiers: ClinVar variation 1988426 (VCV001988426.2), dbSNP rs769973410, ClinGen allele CA4341489.